The following is an entry in ClinVar:

NM_005359.6(SMAD4):c.1212C>A (p.Asp404Glu)

Gene: SMAD4 (SMAD family member 4; plus strand). Cytogenetic location: 18q21.2.
Variant type: single nucleotide variant.
Coding change: c.1212C>A on transcript NM_005359.6 (MANE Select); coding-DNA position 1212, C replaced by A.
Protein change: p.Asp404Glu; replaces aspartic acid 404 with glutamic acid.
Molecular consequence: missense variant.
Genome position (GRCh38, 1-based): chr18:51,067,091, C>A. VCF-style: chr18-51067091-C-A. GRCh37 (hg19) VCF-style: chr18-48593461-C-A.
Other names: c.1212C>A, p.Asp404Glu (NM_001407041.1, NM_001407042.1); short protein forms D404E.
Identifiers: ClinVar variation 1721208 (VCV001721208.5), dbSNP rs2144452216, ClinGen allele CA402464868.

ClinVar aggregate classification (germline): Uncertain significance (1 of 4 stars; one submission).

Conditions:
Juvenile polyposis syndrome (JPS). Identifiers: Orphanet 2929, MedGen C0345893, MONDO:0017380, OMIM 174900.

Submission:

Labcorp Genetics (formerly Invitae), Labcorp
Classification: Uncertain significance for Juvenile polyposis syndrome. Last evaluated: 2022-10-07. Review status: criteria provided, single submitter. Criteria: Invitae Variant Classification Sherloc (09022015). Collection method: clinical testing. Allele origin: germline.
Comment: This sequence change replaces aspartic acid, which is acidic and polar, with glutamic acid, which is acidic and polar, at codon 404 of the SMAD4 protein (p.Asp404Glu). This variant is not present in population databases (gnomAD no frequency). This variant has not been reported in the literature in individuals affected with SMAD4-related conditions. Algorithms developed to predict the effect of missense changes on protein structure and function (SIFT, PolyPhen-2, Align-GVGD) all suggest that this variant is likely to be tolerated. In summary, the available evidence is currently insufficient to determine the role of this variant in disease. Therefore, it has been classified as a Variant of Uncertain Significance.